The following is an entry in ClinVar:

ClinVar aggregate classification (germline): Pathogenic. Review status: criteria provided, multiple submitters, no conflicts (2 of 4 stars). 3 submissions from 3 submitters: Pathogenic (3). Last evaluated 2026-04-01.

Conditions:
Neurofibromatosis, type 1 (NF1). Also called: NEUROFIBROMATOSIS, TYPE I, SOMATIC; Neurofibromatosis, type I; Peripheral type neurofibromatosis; VON RECKLINGHAUSEN DISEASE. Identifiers: Orphanet 636, MedGen C0027831, MONDO:0018975, OMIM 162200. Disease mechanism: loss of function.
Hereditary cancer-predisposing syndrome. Also called: Neoplastic Syndromes, Hereditary; Tumor predisposition; Hereditary Cancer Syndrome; Hereditary neoplastic syndrome. Identifiers: Orphanet 140162, MedGen C0027672, MeSH D009386, MONDO:0015356.
Cardiovascular phenotype. Identifiers: MedGen CN230736.

Submissions (3):

Ambry Genetics
Classification: Pathogenic for Cardiovascular phenotype; Hereditary cancer-predisposing syndrome. Last evaluated: 2026-04-01. Review status: criteria provided, single submitter. Criteria: Ambry Variant Classification Scheme 2023. Collection method: clinical testing. Allele origin: germline.
Comment: The p.L1368* pathogenic mutation (also known as c.4103T>G), located in coding exon 30 of the NF1 gene, results from a T to G substitution at nucleotide position 4103. This changes the amino acid from a leucine to a stop codon within coding exon 30. This variant was reported in individual(s) with features consistent with neurofibromatosis type 1 (NF1) (Ambry internal data). This variant is considered to be rare based on population cohorts in the Genome Aggregation Database (gnomAD). This alteration is expected to result in loss of function by premature protein truncation or nonsense-mediated mRNA decay. As such, this alteration is interpreted as a disease-causing mutation.

GeneDx
Classification: Pathogenic. Last evaluated: 2024-02-09. Review status: criteria provided, single submitter. Criteria: GeneDx Variant Classification Process June 2021. Collection method: clinical testing. Allele origin: germline. Affected: yes.
Comment: Nonsense variant predicted to result in protein truncation or nonsense mediated decay in a gene for which loss of function is a known mechanism of disease; Not observed at significant frequency in large population cohorts (gnomAD); This variant is associated with the following publications: (PMID: 23913538, 32743991, 32901917)

Labcorp Genetics (formerly Invitae), Labcorp
Classification: Pathogenic for Neurofibromatosis, type 1. Last evaluated: 2024-01-04. Review status: criteria provided, single submitter. Criteria: Invitae Variant Classification Sherloc (09022015). Collection method: clinical testing. Allele origin: germline.
Comment: This sequence change creates a premature translational stop signal (p.Leu1368*) in the NF1 gene. It is expected to result in an absent or disrupted protein product. Loss-of-function variants in NF1 are known to be pathogenic (PMID: 10712197, 23913538). This variant is not present in population databases (gnomAD no frequency). This premature translational stop signal has been observed in individual(s) with clinical features of neurofibromatosis type 1 (PMID: 23913538). ClinVar contains an entry for this variant (Variation ID: 1354810). For these reasons, this variant has been classified as Pathogenic.

Literature cited by the submitters: PubMed 10712197 (cited by Labcorp Genetics (formerly Invitae), Labcorp); PubMed 23913538 (cited by Labcorp Genetics (formerly Invitae), Labcorp).

NM_001042492.3(NF1):c.4103T>G (p.Leu1368Ter)

Gene: NF1 (neurofibromin 1; plus strand). Cytogenetic location: 17q11.2.
Variant type: single nucleotide variant.
Coding change: c.4103T>G on transcript NM_001042492.3 (MANE Select); coding-DNA position 4103, T replaced by G.
Protein change: p.Leu1368Ter; replaces leucine 1368 with a stop codon.
Molecular consequence: nonsense.
Genome position (GRCh38, 1-based): chr17:31,249,112, T>G. VCF-style: chr17-31249112-T-G. GRCh37 (hg19) VCF-style: chr17-29576130-T-G.
Other names: c.4103T>G, p.Leu1368Ter (NM_000267.4); short protein forms L1368*.
Identifiers: ClinVar variation 1354810 (VCV001354810.10), dbSNP rs1597735265, ClinGen allele CA16622171.